The following is an entry in ClinVar:

NM_020964.3(EPG5):c.2695_2718+32del

Gene: EPG5 (ectopic P-granules 5 autophagy tethering factor; minus strand). Cytogenetic location: 18q21.1.
Variant type: Deletion.
Coding change: c.2695_2718+32del on transcript NM_020964.3 (MANE Select); coding-DNA position 2695 through 32 bases into the intron after coding-DNA position 2718, 56 bases deleted.
Molecular consequence: splice donor variant.
Genome position (GRCh38, 1-based): chr18:45,925,706-45,925,761, 56 bases deleted. GRCh37 (hg19): chr18:43,505,675-43,505,730.
Other names: c.2695_2718+32del (NM_001410858.1, NM_001410859.1).
Identifiers: ClinVar variation 2833946 (VCV002833946.3), dbSNP rs2511885141, ClinGen allele CA2739268692.

ClinVar aggregate classification (germline): Likely pathogenic (1 of 4 stars; one submission).

Conditions:
Vici syndrome (VICIS). Identifiers: Orphanet 1493, MedGen C1855772, MONDO:0009452, OMIM 242840.

Submission:

Labcorp Genetics (formerly Invitae), Labcorp
Classification: Likely pathogenic for Vici syndrome. Last evaluated: 2023-02-03. Review status: criteria provided, single submitter. Criteria: Invitae Variant Classification Sherloc (09022015). Collection method: clinical testing. Allele origin: germline.
Comment: In summary, the currently available evidence indicates that the variant is pathogenic, but additional data are needed to prove that conclusively. Therefore, this variant has been classified as Likely Pathogenic. Algorithms developed to predict the effect of sequence changes on RNA splicing suggest that this variant may disrupt the consensus splice site. This variant has not been reported in the literature in individuals affected with EPG5-related conditions. This variant is not present in population databases (gnomAD no frequency). This variant results in the deletion of part of exon 14 (c.2695_2718+32del) of the EPG5 gene. It is expected to disrupt RNA splicing. Variants that disrupt the donor or acceptor splice site typically lead to a loss of protein function (PMID: 16199547), and loss-of-function variants in EPG5 are known to be pathogenic (PMID: 23222957, 23674064).

Literature cited by the submitters: PubMed 16199547; PubMed 23222957; PubMed 23674064.